The following is an entry in ClinVar:

ClinVar aggregate classification (germline): Pathogenic/Likely pathogenic. Review status: criteria provided, multiple submitters, no conflicts (2 of 4 stars). 5 submissions from 5 submitters: Pathogenic (3); Likely pathogenic (1). 1 of the submissions does not count toward it. Last evaluated 2024-04-26.

Conditions:
UBE3A-related disorder. Also called: UBE3A-related condition.
Inborn genetic diseases. Identifiers: MedGen C0950123, MeSH D030342.
Angelman syndrome (AS). Also called: HAPPY PUPPET SYNDROME. Identifiers: Orphanet 72, MedGen C0162635, MONDO:0007113, OMIM 105830. Disease mechanism: loss of function. Inheritance: AS is caused by disruption of maternally imprinted UBE3A located within the 15q11.2-q13 Angelman syndrome/Prader-Willi syndrome (AS/PWS) region., imprinting disorder.

Submissions (5):

Ambry Genetics
Classification: Pathogenic for Inborn genetic diseases. Last evaluated: 2024-04-26. Review status: criteria provided, single submitter. Criteria: Ambry Variant Classification Scheme 2023. Collection method: clinical testing. Allele origin: germline.
Comment: The c.2503_2506dupCTTA (p.K836Tfs*2) alteration, located in exon 10 (coding exon 10) of the UBE3A gene, consists of a duplication of CTTA at position 2503, causing a translational frameshift with a predicted alternate stop codon after 2 amino acids. This alteration occurs at the 3' terminus of the UBE3A gene, is not expected to trigger nonsense-mediated mRNA decay, and only impacts the last 1.8% of the protein. However, premature stop codons are typically deleterious in nature and the impacted region is critical for protein function (Ambry internal data). This variant was not reported in population-based cohorts in the Genome Aggregation Database (gnomAD). This variant was reported in multiple individuals with features consistent with Angelman syndrome and was reported to be de novo in at least one occurrence (Sadikovic, 2014; Baldridge, 2017). Based on the available evidence, this alteration is classified as pathogenic.

GeneDx
Classification: Pathogenic. Last evaluated: 2021-11-17. Review status: criteria provided, single submitter. Criteria: GeneDx Variant Classification Process June 2021. Collection method: clinical testing. Allele origin: germline. Affected: yes.
Comment: Frameshift variant in the C-terminus predicted to result in protein truncation, as the last 17 amino acids are lost and replaced with 1 incorrect amino acid, and other loss-of-function variants have been reported downstream in the Human Gene Mutation Database (Stenson et al., 2014); Not observed in large population cohorts (Lek et al., 2016); Identified in an individual with a clinical diagnosis of Angelman syndrome in published literature (Sadikovic et al., 2014); This variant is associated with the following publications: (PMID: 28252636, 30755392, 25212744)

Blueprint Genetics
Classification: Pathogenic for UBE3A-related disorders. Last evaluated: 2019-10-17. Review status: criteria provided, single submitter. Criteria: ACMG Guidelines, 2015. Collection method: clinical testing. Allele origin: germline. Affected: yes. Observed: 1 variant allele.

Juno Genomics, Hangzhou Juno Genomics, Inc
Classification: Likely pathogenic for Angelman syndrome. Review status: criteria provided, single submitter. Criteria: ACMG Guidelines, 2015. Collection method: clinical testing. Allele origin: germline. Affected: yes.
Comment: Absent from controls (or at extremely low frequency if recessive) in Genome Aggregation Database, Exome Sequencing Project, 1000 Genomes Project, or Exome Aggregation Consortium.;Null variant in a gene where loss of function (LOF) is a known mechanism of disease.;Assumed de novo, but without confirmation of paternity and maternity.;The prevalence of the variant in affected individuals is significantly increased compared to the prevalence in controls.

Baylor Genetics
Classification: Pathogenic for Angelman Syndrome. Last evaluated: 2014-02-14. Review status: no assertion criteria provided. Collection method: clinical testing. Allele origin: germline. Affected: yes. Observed: 1 variant allele. Study: UBE3A Mutation Study. Not counted in ClinVar's aggregate classification.
Comment: Data collected from clinical UBE3A sequence analysis results

Literature cited by the submitters: PubMed 25212744 (cited by Ambry Genetics and Baylor Genetics); PubMed 28252636 (cited by Ambry Genetics).

NM_130839.5(UBE3A):c.2563_2566dup (p.Lys856delinsThrTer)

Genes: SNHG14 (small nucleolar RNA host gene 14; plus strand), UBE3A (ubiquitin protein ligase E3A; minus strand). Cytogenetic location: 15q11.2.
Variant type: Duplication.
Coding change: c.2563_2566dup on transcript NM_130839.5 (MANE Select); coding-DNA positions 2563 to 2566, 4 bases duplicated (CTTA; older notation c.2563_2566dupCTTA).
Protein change: p.Lys856delinsThrTer.
Molecular consequence: nonsense. On other transcripts: non-coding transcript variant (1).
Genome position (GRCh38, 1-based): chr15:25,339,190-25,339,193, TAAG duplicated on the plus strand (CTTA on the coding strand, the reverse complement: UBE3A is on the minus strand); duplicating any 4 consecutive bases within chr15:25,339,190-25,339,194 gives the same sequence; the c. name uses the placement nearest the transcript's 3' end. VCF-style (leftmost placement, unchanged base first): chr15-25339189-T-TTAAG. GRCh37 (hg19) VCF-style: chr15-25584336-T-TTAAG.
Other names: c.2572_2575dup, p.Lys859delinsThrTer (NM_000462.5); c.2563_2566dup, p.Lys856delinsThrTer (NM_001354505.1, NM_001354538.2); c.2503_2506dup, p.Lys836delinsThrTer (NM_001354506.2, NM_001354507.2, NM_001354508.2 and 14 more transcripts); c.2407_2410dup, p.Lys804delinsThrTer (NM_001354545.2); c.2386_2389dup, p.Lys797delinsThrTer (NM_001354546.2); c.2347_2350dup, p.Lys784delinsThrTer (NM_001354547.2, NM_001354548.2); c.2338_2341dup, p.Lys781delinsThrTer (NM_001354549.2); c.1312_1315dup, p.Lys439delinsThrTer (NM_001354550.2); and 2 more.
Identifiers: ClinVar variation 155983 (VCV000155983.8), dbSNP rs398124440, ClinGen allele CA333364.